The following is an entry in ClinVar:

ClinVar aggregate classification (germline): Uncertain significance. Review status: criteria provided, multiple submitters, no conflicts (2 of 4 stars). 2 submissions from 2 submitters: Uncertain significance (2). Last evaluated 2025-03-01.

Conditions:
Hereditary cancer-predisposing syndrome. Also called: Tumor predisposition; Hereditary Cancer Syndrome; Hereditary neoplastic syndrome; Neoplastic Syndromes, Hereditary. Identifiers: Orphanet 140162, MedGen C0027672, MeSH D009386, MONDO:0015356.
Familial adenomatous polyposis 2. Also called: MUTYH Polyposis; COLORECTAL ADENOMATOUS POLYPOSIS, AUTOSOMAL RECESSIVE; ADENOMAS, MULTIPLE COLORECTAL, AUTOSOMAL RECESSIVE; MYH-associated polyposis; MUTYH-associated polyposis; MUTYH-related attenuated familial adenomatous polyposis. Identifiers: Orphanet 220460, Orphanet 247798, MedGen C3272841, MONDO:0012041, OMIM 608456.

Submissions (2):

Ambry Genetics
Classification: Uncertain significance for Hereditary cancer-predisposing syndrome. Last evaluated: 2025-03-01. Review status: criteria provided, single submitter. Criteria: Ambry Variant Classification Scheme 2023. Collection method: clinical testing. Allele origin: germline.
Comment: The p.G23V variant (also known as c.68G>T), located in coding exon 2 of the MUTYH gene, results from a G to T substitution at nucleotide position 68. The glycine at codon 23 is replaced by valine, an amino acid with dissimilar properties. This amino acid position is not well conserved in available vertebrate species. In addition, this alteration is predicted to be tolerated by in silico analysis. Based on the available evidence, the clinical significance of this variant remains unclear.

All of Us Research Program, National Institutes of Health
Classification: Uncertain significance for Familial adenomatous polyposis 2. Last evaluated: 2024-03-05. Review status: criteria provided, single submitter. Criteria: ACMG Guidelines, 2015. Collection method: clinical testing. Allele origin: germline. Inheritance: Autosomal recessive inheritance. Observed: 1 variant allele, 1 heterozygote.
Comment: This study involves interpretation of variants in research participants for the purpose of population health screening. Participant phenotype was not available at the time of variant classification. Additional details can be found in publication PMID: 35346344, PMCID: PMC8962531

NM_001048174.2(MUTYH):c.26G>T (p.Gly9Val)

Gene: MUTYH (mutY DNA glycosylase; minus strand). Cytogenetic location: 1p34.1.
Variant type: single nucleotide variant.
Coding change: c.26G>T on transcript NM_001048174.2 (MANE Select); coding-DNA position 26, G replaced by T.
Protein change: p.Gly9Val; replaces glycine 9 with valine.
Molecular consequence: missense variant. On other transcripts: 5 prime UTR variant (7), non-coding transcript variant (7).
Genome position (GRCh38, 1-based): chr1:45,334,480, C>A on the plus strand (G>T on the coding strand, the complement: MUTYH is on the minus strand). VCF-style: chr1-45334480-C-A. GRCh37 (hg19) VCF-style: chr1-45800152-C-A.
Other names: c.26G>T, p.Gly9Val (NM_001048171.2, NM_001048172.2, NM_001048173.2 and 15 more transcripts); c.68G>T, p.Gly23Val (NM_001128425.2, NM_001293190.2, NM_001407069.1 and 2 more transcripts); c.-187G>T (NM_001293192.2, NM_001293196.2, NM_001407091.1); c.-246G>T (NM_001350650.2); c.-182G>T (NM_001350651.2, NM_001407082.1); c.-131G>T (NM_001407075.1); c.44G>T, p.Gly15Val (NM_001407087.1); short protein forms G15V, G23V, G9V.
Identifiers: ClinVar variation 3387086 (VCV003387086.2).